The following is an entry in ClinVar:

ClinVar aggregate classification (germline): Uncertain significance (1 of 4 stars; one submission).

Conditions:
Cardiovascular phenotype. Identifiers: MedGen CN230736.

gnomAD v4.1: 1 of 1,613,996 alleles (0.000062%); highest among the groups gnomAD compares: African/African-American, 0.0013%; no homozygotes.

Submission:

Ambry Genetics
Classification: Uncertain significance for Cardiovascular phenotype. Last evaluated: 2025-08-21. Review status: criteria provided, single submitter. Criteria: Ambry Variant Classification Scheme 2023. Collection method: clinical testing. Allele origin: germline.
Comment: The p.L818V variant (also known as c.2452C>G), located in coding exon 40 of the COL1A2 gene, results from a C to G substitution at nucleotide position 2452. The leucine at codon 818 is replaced by valine, an amino acid with highly similar properties. This amino acid position is poorly conserved in available vertebrate species. In addition, this alteration is predicted to be tolerated by in silico analysis. Based on the available evidence, the clinical significance of this variant remains unclear.

NM_000089.4(COL1A2):c.2452C>G (p.Leu818Val)

Gene: COL1A2 (collagen type I alpha 2 chain; plus strand). Cytogenetic location: 7q21.3.
Variant type: single nucleotide variant.
Coding change: c.2452C>G on transcript NM_000089.4 (MANE Select); coding-DNA position 2452, C replaced by G.
Protein change: p.Leu818Val; replaces leucine 818 with valine.
Molecular consequence: missense variant.
Genome position (GRCh38, 1-based): chr7:94,423,005, C>G. VCF-style: chr7-94423005-C-G. GRCh37 (hg19) VCF-style: chr7-94052317-C-G.
Other names: short protein forms L818V.
Identifiers: ClinVar variation 4231952 (VCV004231952.1).